The following is an entry in ClinVar:

NM_020338.4(ZMIZ1):c.1144G>C (p.Gly382Arg)

Gene: ZMIZ1 (zinc finger MIZ-type containing 1; plus strand). Cytogenetic location: 10q22.3.
Variant type: single nucleotide variant.
Coding change: c.1144G>C on transcript NM_020338.4 (MANE Select); coding-DNA position 1144, G replaced by C.
Protein change: p.Gly382Arg; replaces glycine 382 with arginine.
Molecular consequence: missense variant.
Genome position (GRCh38, 1-based): chr10:79,293,567, G>C. VCF-style: chr10-79293567-G-C. GRCh37 (hg19) VCF-style: chr10-81053324-G-C.
Other names: short protein forms G382R.
Identifiers: ClinVar variation 3235796 (VCV003235796.1), dbSNP rs544292338, ClinGen allele CA377334879.

ClinVar aggregate classification (germline): Uncertain significance (1 of 4 stars; one submission).

gnomAD v4.1: 3 of 1,612,872 alleles (0.00019%); highest among the groups gnomAD compares: South Asian, 0.0011%; no homozygotes.

Submission:

Greenwood Genetic Center Diagnostic Laboratories, Greenwood Genetic Center
Classification: Uncertain significance. Last evaluated: 2024-03-15. Review status: criteria provided, single submitter. Criteria: ACMG Guidelines, 2015. Collection method: clinical testing. Allele origin: germline. Affected: yes.
Comment: PP2